The following is an entry in ClinVar:

ClinVar aggregate classification (germline): Uncertain significance (1 of 4 stars; one submission).

Conditions:
Stormorken syndrome (STRMK). Also called: THROMBOCYTOPATHY, ASPLENIA, AND MIOSIS. Identifiers: Orphanet 3204, MedGen C1861451, MONDO:0008497, OMIM 185070.
Combined immunodeficiency due to STIM1 deficiency. Also called: IMMUNODEFICIENCY 10; STIM1 DEFICIENCY. Identifiers: Orphanet 169090, Orphanet 317430, MedGen C2748557, MONDO:0013008, OMIM 612783.
Myopathy with tubular aggregates (TAM). Also called: Tubular Aggregate Myopathy. Identifiers: Orphanet 2593, MedGen C0410207, MONDO:0008051.

Submission:

Labcorp Genetics (formerly Invitae), Labcorp
Classification: Uncertain significance for Myopathy with tubular aggregates; Combined immunodeficiency due to STIM1 deficiency; Stormorken syndrome. Last evaluated: 2023-05-25. Review status: criteria provided, single submitter. Criteria: Invitae Variant Classification Sherloc (09022015). Collection method: clinical testing. Allele origin: germline.
Comment: Advanced modeling of protein sequence and biophysical properties (such as structural, functional, and spatial information, amino acid conservation, physicochemical variation, residue mobility, and thermodynamic stability) has been performed at Invitae for this missense variant, however the output from this modeling did not meet the statistical confidence thresholds required to predict the impact of this variant on STIM1 protein function. This variant has not been reported in the literature in individuals affected with STIM1-related conditions. This variant is not present in population databases (gnomAD no frequency). This sequence change replaces tryptophan, which is neutral and slightly polar, with cysteine, which is neutral and slightly polar, at codon 228 of the STIM1 protein (p.Trp228Cys). In summary, the available evidence is currently insufficient to determine the role of this variant in disease. Therefore, it has been classified as a Variant of Uncertain Significance.

NM_001382567.1(STIM1):c.684G>T (p.Trp228Cys)

Gene: STIM1 (stromal interaction molecule 1; plus strand). Cytogenetic location: 11p15.4.
Variant type: single nucleotide variant.
Coding change: c.684G>T on transcript NM_001382567.1 (MANE Select); coding-DNA position 684, G replaced by T.
Protein change: p.Trp228Cys; replaces tryptophan 228 with cysteine.
Molecular consequence: missense variant. On other transcripts: non-coding transcript variant (2).
Genome position (GRCh38, 1-based): chr11:4,070,096, G>T. VCF-style: chr11-4070096-G-T. GRCh37 (hg19) VCF-style: chr11-4091326-G-T.
Other names: c.684G>T, p.Trp228Cys (NM_001277962.2, NM_001382568.1, NM_001382572.1 and 2 more transcripts); c.462G>T, p.Trp154Cys (NM_001382566.1, NM_001382573.1, NM_001382574.1 and 5 more transcripts); c.549G>T, p.Trp183Cys (NM_001382569.1); c.456G>T, p.Trp152Cys (NM_001382570.1); c.204G>T, p.Trp68Cys (NM_001382571.1); c.195G>T, p.Trp65Cys (NM_001382580.1, NM_001382581.1); short protein forms W183C, W152C, W154C, W65C, W68C, W228C.
Identifiers: ClinVar variation 2947950 (VCV002947950.3), dbSNP rs2498370899, ClinGen allele CA379486103.